The following is an entry in ClinVar:

ClinVar aggregate classification (germline): Conflicting classifications of pathogenicity. Review status: criteria provided, conflicting classifications (1 of 4 stars). 2 submissions from 2 submitters: Uncertain significance (1); Likely benign (1). Last evaluated 2025-07-18.

Conditions:
Hereditary cancer-predisposing syndrome. Also called: Hereditary neoplastic syndrome; Hereditary Cancer Syndrome; Neoplastic Syndromes, Hereditary; Tumor predisposition. Identifiers: Orphanet 140162, MedGen C0027672, MeSH D009386, MONDO:0015356.
Neuroblastoma, susceptibility to, 3. Also called: ALK-Related Neuroblastic Tumor Susceptibility. Identifiers: Orphanet 635, MedGen C2751681, MONDO:0013083, OMIM 613014.

Submissions (2):

Ambry Genetics
Classification: Likely benign for Hereditary cancer-predisposing syndrome. Last evaluated: 2025-07-18. Review status: criteria provided, single submitter. Criteria: Ambry Variant Classification Scheme 2023. Collection method: clinical testing. Allele origin: germline.

Labcorp Genetics (formerly Invitae), Labcorp
Classification: Uncertain significance for Neuroblastoma, susceptibility to, 3. Last evaluated: 2024-03-12. Review status: criteria provided, single submitter. Criteria: Invitae Variant Classification Sherloc (09022015). Collection method: clinical testing. Allele origin: germline.
Comment: This sequence change replaces asparagine, which is neutral and polar, with lysine, which is basic and polar, at codon 1532 of the ALK protein (p.Asn1532Lys). This variant is not present in population databases (gnomAD no frequency). This variant has not been reported in the literature in individuals affected with ALK-related conditions. Algorithms developed to predict the effect of missense changes on protein structure and function output the following: SIFT: "Not Available"; PolyPhen-2: "Benign"; Align-GVGD: "Not Available". The lysine amino acid residue is found in multiple mammalian species, which suggests that this missense change does not adversely affect protein function. In summary, the available evidence is currently insufficient to determine the role of this variant in disease. Therefore, it has been classified as a Variant of Uncertain Significance.

NM_004304.5(ALK):c.4596C>A (p.Asn1532Lys)

Gene: ALK (ALK receptor tyrosine kinase; minus strand). Cytogenetic location: 2p23.2.
Variant type: single nucleotide variant.
Coding change: c.4596C>A on transcript NM_004304.5 (MANE Select); coding-DNA position 4596, C replaced by A.
Protein change: p.Asn1532Lys; replaces asparagine 1532 with lysine.
Molecular consequence: missense variant.
Genome position (GRCh38, 1-based): chr2:29,193,491, G>T on the plus strand (C>A on the coding strand, the complement: ALK is on the minus strand). VCF-style: chr2-29193491-G-T. GRCh37 (hg19) VCF-style: chr2-29416357-G-T.
Other names: c.1392C>A, p.Asn464Lys (NM_001353765.2); c.4596C>A (NM_004304.4); short protein forms N464K, N1532K.
Identifiers: ClinVar variation 3645432 (VCV003645432.3).